The following is an entry in ClinVar:

ClinVar aggregate classification (germline): Uncertain significance. Review status: criteria provided, multiple submitters, no conflicts (2 of 4 stars). 2 submissions from 2 submitters: Uncertain significance (2). Last evaluated 2023-06-14.

Conditions:
Nemaline myopathy 2 (NEM2). Also called: Nemaline myopathy 2, autosomal recessive. Identifiers: MedGen C1850569, MONDO:0009725, OMIM 256030.

Allele frequency attached by ClinVar (database versions not stated): gnomAD 0.00001.
gnomAD v4.1: 4 of 1,613,622 alleles (0.00025%); highest among the groups gnomAD compares: Non-Finnish European, 0.00025%; no homozygotes.

Submissions (2):

Blueprint Genetics
Classification: Uncertain significance. Last evaluated: 2023-06-14. Review status: criteria provided, single submitter. Criteria: ACMG Guidelines, 2015. Collection method: clinical testing. Allele origin: germline.

Labcorp Genetics (formerly Invitae), Labcorp
Classification: Uncertain significance for Nemaline myopathy 2. Last evaluated: 2022-03-08. Review status: criteria provided, single submitter. Criteria: Invitae Variant Classification Sherloc (09022015). Collection method: clinical testing. Allele origin: germline.
Comment: This sequence change replaces glutamine, which is neutral and polar, with lysine, which is basic and polar, at codon 6744 of the NEB protein (p.Gln6744Lys). This variant is present in population databases (rs766890449, gnomAD 0.003%). This variant has not been reported in the literature in individuals affected with NEB-related conditions. Algorithms developed to predict the effect of missense changes on protein structure and function are either unavailable or do not agree on the potential impact of this missense change (SIFT: "Deleterious"; PolyPhen-2: "Not Available"; Align-GVGD: "Class C0"). In summary, the available evidence is currently insufficient to determine the role of this variant in disease. Therefore, it has been classified as a Variant of Uncertain Significance.

NM_001164508.2(NEB):c.20230C>A (p.Gln6744Lys)

Gene: NEB (nebulin; minus strand). Cytogenetic location: 2q23.3.
Variant type: single nucleotide variant.
Coding change: c.20230C>A on transcript NM_001164508.2 (MANE Select); coding-DNA position 20230, C replaced by A.
Protein change: p.Gln6744Lys; replaces glutamine 6744 with lysine.
Molecular consequence: missense variant.
Genome position (GRCh38, 1-based): chr2:151,547,666, G>T on the plus strand (C>A on the coding strand, the complement: NEB is on the minus strand). VCF-style: chr2-151547666-G-T. GRCh37 (hg19) VCF-style: chr2-152404180-G-T.
Other names: c.20230C>A, p.Gln6744Lys (NM_001164507.2, NM_001271208.2); c.15127C>A, p.Gln5043Lys (NM_004543.5); short protein forms Q5043K, Q6744K.
Identifiers: ClinVar variation 1464166 (VCV001464166.6), dbSNP rs766890449, ClinGen allele CA1907384.